The following is an entry in ClinVar:

NM_020937.4(FANCM):c.2764G>A (p.Val922Met)

Gene: FANCM (FA complementation group M; plus strand). Cytogenetic location: 14q21.2.
Variant type: single nucleotide variant.
Coding change: c.2764G>A on transcript NM_020937.4 (MANE Select); coding-DNA position 2764, G replaced by A.
Protein change: p.Val922Met; replaces valine 922 with methionine.
Molecular consequence: missense variant.
Genome position (GRCh38, 1-based): chr14:45,175,518, G>A. VCF-style: chr14-45175518-G-A. GRCh37 (hg19) VCF-style: chr14-45644721-G-A.
Other names: c.2686G>A, p.Val896Met (NM_001308133.2); short protein forms V896M, V922M.
Identifiers: ClinVar variation 855571 (VCV000855571.11), dbSNP rs1888619129, ClinGen allele CA389599104.

ClinVar aggregate classification (germline): Uncertain significance. Review status: criteria provided, multiple submitters, no conflicts (2 of 4 stars). 3 submissions from 3 submitters: Uncertain significance (3). Last evaluated 2025-04-04.

Conditions:
Fanconi anemia (FA). Also called: Fanconi's anemia. Identifiers: Orphanet 84, MedGen C0015625, MeSH D005199, MONDO:0019391.

Allele frequency attached by ClinVar (database versions not stated): gnomAD exomes below 0.00001.
gnomAD v4.1: 6 of 1,612,782 alleles (0.00037%); highest among the groups gnomAD compares: Non-Finnish European, 0.00034%; no homozygotes.

Submissions (3):

Dasa
Classification: Uncertain significance. Last evaluated: 2025-04-04. Review status: criteria provided, single submitter. Criteria: DASA Assertion Criteria. Collection method: clinical testing. Allele origin: germline.
Comment: NM_020937.4(FANCM):c.2764G>A (p.Val922Met) is a missense variant that results in the substitution of valine with methionine. This variant is rare in population databases. Computational prediction algorithms are consistent with a benign effect. The currently available literature and clinical evidence are not sufficient to establish a definitive association between this variant and the reported condition. Therefore, this variant is classified as a variant of uncertain significance.

Labcorp Genetics (formerly Invitae), Labcorp
Classification: Uncertain significance for Fanconi anemia. Last evaluated: 2024-01-04. Review status: criteria provided, single submitter. Criteria: Invitae Variant Classification Sherloc (09022015). Collection method: clinical testing. Allele origin: germline.
Comment: This sequence change replaces valine, which is neutral and non-polar, with methionine, which is neutral and non-polar, at codon 922 of the FANCM protein (p.Val922Met). This variant is not present in population databases (gnomAD no frequency). This variant has not been reported in the literature in individuals affected with FANCM-related conditions. ClinVar contains an entry for this variant (Variation ID: 855571). An algorithm developed to predict the effect of missense changes on protein structure and function (PolyPhen-2) suggests that this variant is likely to be tolerated. In summary, the available evidence is currently insufficient to determine the role of this variant in disease. Therefore, it has been classified as a Variant of Uncertain Significance.

GeneDx
Classification: Uncertain significance. Last evaluated: 2020-09-09. Review status: criteria provided, single submitter. Criteria: GeneDx Variant Classification Process June 2021. Collection method: clinical testing. Allele origin: germline. Affected: yes.
Comment: Not observed in large population cohorts (Lek et al., 2016); In silico analysis supports that this missense variant does not alter protein structure/function; Observed in individuals with ovarian cancer (Dicks 2017); This variant is associated with the following publications: (PMID: 28881617)